The following is an entry in ClinVar:

ClinVar aggregate classification (germline): Conflicting classifications of pathogenicity. Review status: criteria provided, conflicting classifications (1 of 4 stars). 2 submissions from 1 submitter: Uncertain significance (1); Benign (1). Last evaluated 2017-04-27.

Conditions:
Retinitis pigmentosa (RP). Identifiers: Orphanet 791, MedGen C0035334, MeSH D012174, MONDO:0019200, OMIM 268000. Inheritance: Autosomal dominant, autosomal recessive and X linked inheritance.
Cone-rod dystrophy 10 (CORD10). Identifiers: Orphanet 1872, MedGen C1846529, MONDO:0012464, OMIM 610283.

Allele frequency attached by ClinVar (database versions not stated): gnomAD 0.00161 and 0.00188; gnomAD exomes 0.00181; TOPMed 0.00329; 1000 Genomes Project 30x 0.00547; 1000 Genomes Project 0.00559.
gnomAD v4.1: 1,813 of 1,003,622 alleles (0.18%); highest among the groups gnomAD compares: East Asian, 2.1%; 15 homozygotes.

Submissions (2):

Illumina Laboratory Services, Illumina
Classification: Benign for Cone-rod dystrophy 10. Last evaluated: 2017-04-27. Review status: criteria provided, single submitter. Criteria: ICSL Variant Classification Criteria 13 December 2019. Collection method: clinical testing. Allele origin: germline.
Comment: This variant was observed as part of a predisposition screen in an ostensibly healthy population. A literature search was performed for the gene, cDNA change, and amino acid change (where applicable). No publications were found based on this search. Allele frequency data from public databases was too high to be consistent with this variant causing disease. Therefore, this variant is classified as benign.

Illumina Laboratory Services, Illumina
Classification: Uncertain significance for Retinitis pigmentosa. Last evaluated: 2017-04-27. Review status: criteria provided, single submitter. Criteria: ICSL Variant Classification Criteria 13 December 2019. Collection method: clinical testing. Allele origin: germline.

NM_022367.4(SEMA4A):c.*102C>G

Gene: SEMA4A (semaphorin 4A; plus strand). Cytogenetic location: 1q22.
Variant type: single nucleotide variant.
Coding change: c.*102C>G on transcript NM_022367.4 (MANE Select); 102 bases downstream of the stop codon, C replaced by G.
Molecular consequence: 3 prime UTR variant.
Genome position (GRCh38, 1-based): chr1:156,177,099, C>G. VCF-style: chr1-156177099-C-G. GRCh37 (hg19) VCF-style: chr1-156146890-C-G.
Other names: c.*102C>G (NM_001193300.2, NM_001193301.2, NM_001193302.2 and 4 more transcripts).
Identifiers: ClinVar variation 875548 (VCV000875548.4), dbSNP rs76347207, ClinGen allele CA31005020.